The following is an entry in ClinVar:

ClinVar aggregate classification (germline): Uncertain significance (1 of 4 stars; one submission).

Submission:

Women's Health and Genetics/Laboratory Corporation of America, LabCorp
Classification: Uncertain significance. Last evaluated: 2024-10-01. Review status: criteria provided, single submitter. Criteria: LabCorp Variant Classification Summary - May 2015. Collection method: clinical testing. Allele origin: germline.
Comment: Variant summary: COL11A1 c.2464A>T (p.Thr822Ser) results in a conservative amino acid change in the encoded protein sequence. Five of five in-silico tools predict a benign effect of the variant on protein function. The variant was absent in 250900 control chromosomes. The available data on variant occurrences in the general population are insufficient to allow any conclusion about variant significance. To our knowledge, no occurrence of c.2464A>T in individuals affected with Stickler Syndrome and no experimental evidence demonstrating its impact on protein function have been reported. No submitters have cited clinical-significance assessments for this variant to ClinVar. Based on the evidence outlined above, the variant was classified as uncertain significance.

NM_001854.4(COL11A1):c.2464A>T (p.Thr822Ser)

Gene: COL11A1 (collagen type XI alpha 1 chain; minus strand). Cytogenetic location: 1p21.1.
Variant type: single nucleotide variant.
Coding change: c.2464A>T on transcript NM_001854.4 (MANE Select); coding-DNA position 2464, A replaced by T.
Protein change: p.Thr822Ser; replaces threonine 822 with serine.
Molecular consequence: missense variant. On other transcripts: non-coding transcript variant (1).
Genome position (GRCh38, 1-based): chr1:102,987,671, T>A on the plus strand (A>T on the coding strand, the complement: COL11A1 is on the minus strand). VCF-style: chr1-102987671-T-A. GRCh37 (hg19) VCF-style: chr1-103453227-T-A.
Other names: c.2347A>T, p.Thr783Ser (NM_001190709.2); c.2500A>T, p.Thr834Ser (NM_080629.3); c.2116A>T, p.Thr706Ser (NM_080630.4); short protein forms T706S, T783S, T822S, T834S.
Identifiers: ClinVar variation 3385027 (VCV003385027.1).